The following is an entry in ClinVar:

ClinVar aggregate classification (germline): Likely pathogenic (1 of 4 stars; one submission).

Conditions:
Sandhoff disease. Also called: Beta-hexosaminidase-beta-subunit deficiency; GM2 gangliosidosis, type 2; Total hexosaminidase deficiency; Sandhoff-Jatzkewitz-Pilz disease; GM2-GANGLIOSIDOSIS, TYPE II; HEXOSAMINIDASES A AND B DEFICIENCY. Identifiers: Orphanet 796, MedGen C0036161, MONDO:0010006, OMIM 268800.

Submission:

Labcorp Genetics (formerly Invitae), Labcorp
Classification: Likely pathogenic for Sandhoff disease. Last evaluated: 2019-09-26. Review status: criteria provided, single submitter. Criteria: Invitae Variant Classification Sherloc (09022015). Collection method: clinical testing. Allele origin: germline.
Comment: This variant has been observed in an individual affected with Sandhoff disease (PMID: 30075786). This variant is not present in population databases (ExAC no frequency). This sequence change results in a premature translational stop signal in the HEXB gene (p.Ala548Metfs*23). While this is not anticipated to result in nonsense mediated decay, it is expected to disrupt the last 9 amino acids of the HEXB protein. This variant disrupts a region of the protein in which other variants (p.Gly549Arg, p.Cys551Tyr) have been observed in individuals with HEXB-related conditions (PMID: 28281504, 24461908). This suggests that this may be a clinically significant region of the HEXB protein. In summary, the currently available evidence indicates that the variant is pathogenic, but additional data are needed to prove that conclusively. Therefore, this variant has been classified as Likely Pathogenic.

Literature cited by the submitters: PubMed 30075786; PubMed 28281504; PubMed 24461908.

NM_000521.4(HEXB):c.1642_1657del (p.Ala548fs)

Gene: HEXB (hexosaminidase subunit beta; plus strand). Cytogenetic location: 5q13.3.
Variant type: Deletion.
Coding change: c.1642_1657del on transcript NM_000521.4 (MANE Select); coding-DNA positions 1642 to 1657, 16 bases deleted (GCTGGATATTGTAACC).
Protein change: p.Ala548fs; shifts the reading frame from alanine 548.
Molecular consequence: frameshift variant.
Genome position (GRCh38, 1-based): chr5:74,721,146-74,721,161, GCTGGATATTGTAACC deleted. VCF-style (leftmost placement, unchanged base first): chr5-74721145-TGCTGGATATTGTAACC-T. GRCh37 (hg19) VCF-style: chr5-74016970-TGCTGGATATTGTAACC-T.
Other names: c.967_982del, p.Ala323fs (NM_001292004.2); short protein forms A323fs, A548fs.
Identifiers: ClinVar variation 937574 (VCV000937574.9), dbSNP rs1749847524, ClinGen allele CA1139658892.
Genomic context (GRCh38, chr5:74,721,145, plus strand): 5'-AATCTAAAATATCTTTATTCATGTTATCTACAGACGTGGAATAGCTGCACAACCTCTTTA[TGCTGGATATTGTAACC>T]ATGAGAACATGTAAAAAATGGAGGGGAAAAAGGCCACAGCAATCTGTACTACAATCAACT-3'